The following is an entry in ClinVar:

NM_000260.4(MYO7A):c.5710dup (p.His1904fs)

Gene: MYO7A (myosin VIIA; plus strand). Cytogenetic location: 11q13.5.
Variant type: Duplication.
Coding change: c.5710dup on transcript NM_000260.4 (MANE Select); coding-DNA position 5710, one base duplicated (C; older notation c.5710dupC).
Protein change: p.His1904fs; shifts the reading frame from histidine 1904.
Molecular consequence: frameshift variant.
Genome position (GRCh38, 1-based): chr11:77,206,170, C duplicated; the last of 2 consecutive C bases (chr11:77,206,169-77,206,170); duplicating either gives the same sequence. VCF-style (leftmost placement, unchanged base first): chr11-77206168-T-TC. GRCh37 (hg19) VCF-style: chr11-76917213-T-TC.
Other names: c.5596dup, p.His1866fs (NM_001127180.2); c.5563dup, p.His1855fs (NM_001369365.1); c.5710dupC (NM_000260.4); short protein forms H1855fs, H1866fs, H1904fs.
Identifiers: ClinVar variation 3375449 (VCV003375449.1).
Genomic context (GRCh38, chr11:77,206,168, plus strand): 5'-GGAAGTACCCTCCGCACCTGGTGGAGGTGGAGGCCATCCAGCACAAGACCACCCAGATTT[T>TC]CCACAAAGTCTACTTCCCTGATGACACTGACGAGGTGAGGGTCACCGGCTTCTAGGTCTG-3'

ClinVar aggregate classification (germline): Pathogenic (1 of 4 stars; one submission).

Conditions:
Usher syndrome. Also called: Usher Syndromes; Usher's syndrome. Identifiers: Orphanet 886, MedGen CN469326, MeSH D052245, MONDO:0019501. Disease mechanism: loss of function.

Submission:

Women's Health and Genetics/Laboratory Corporation of America, LabCorp
Classification: Pathogenic for Retinitis pigmentosa-deafness syndrome. Last evaluated: 2024-09-16. Review status: criteria provided, single submitter. Criteria: LabCorp Variant Classification Summary - May 2015. Collection method: clinical testing. Allele origin: germline.
Comment: Variant summary: MYO7A c.5710dupC (p.His1904ProfsX7) results in a premature termination codon, predicted to cause absence of the protein due to nonsense mediated decay, which is a commonly known mechanism for disease. The variant was absent in 247928 control chromosomes (gnomAD). To our knowledge, no occurrence of c.5710dupC in individuals affected with Usher Syndrome and no experimental evidence demonstrating its impact on protein function have been reported. No submitters have cited clinical-significance assessments for this variant to ClinVar. Based on the evidence outlined above, the variant was classified as pathogenic.